The following is an entry in ClinVar:

ClinVar aggregate classification (germline): Uncertain significance (1 of 4 stars; one submission).

Conditions:
Inborn genetic diseases. Identifiers: MedGen C0950123, MeSH D030342.

gnomAD v4.1: 1 of 1,614,046 alleles (0.000062%); highest among the groups gnomAD compares: Non-Finnish European, 0.000085%; no homozygotes.

Submission:

Ambry Genetics
Classification: Uncertain significance for Inborn genetic diseases. Last evaluated: 2019-08-30. Review status: criteria provided, single submitter. Criteria: Ambry Variant Classification Scheme 2023. Collection method: clinical testing. Allele origin: germline.
Comment: The p.S1866P variant (also known as c.5596T>C), located in coding exon 16 of the KAT6A gene, results from a T to C substitution at nucleotide position 5596. The serine at codon 1866 is replaced by proline, an amino acid with similar properties. This amino acid position is well conserved in available vertebrate species. In addition, this alteration is predicted to be tolerated by in silico analysis. Since supporting evidence is limited at this time, the clinical significance of this alteration remains unclear.

NM_006766.5(KAT6A):c.5596T>C (p.Ser1866Pro)

Gene: KAT6A (lysine acetyltransferase 6A; minus strand). Cytogenetic location: 8p11.21.
Variant type: single nucleotide variant.
Coding change: c.5596T>C on transcript NM_006766.5 (MANE Select); coding-DNA position 5596, T replaced by C.
Protein change: p.Ser1866Pro; replaces serine 1866 with proline.
Molecular consequence: missense variant.
Genome position (GRCh38, 1-based): chr8:41,932,624, A>G on the plus strand (T>C on the coding strand, the complement: KAT6A is on the minus strand). VCF-style: chr8-41932624-A-G. GRCh37 (hg19) VCF-style: chr8-41790142-A-G.
Other names: short protein forms S1866P.
Identifiers: ClinVar variation 1748513 (VCV001748513.2), dbSNP rs1221207488, ClinGen allele CA371061483.